The following is an entry in ClinVar:

NM_005529.7(HSPG2):c.8689G>A (p.Gly2897Arg)

Gene: HSPG2 (heparan sulfate proteoglycan 2; minus strand). Cytogenetic location: 1p36.12.
Variant type: single nucleotide variant.
Coding change: c.8689G>A on transcript NM_005529.7 (MANE Select); coding-DNA position 8689, G replaced by A.
Protein change: p.Gly2897Arg; replaces glycine 2897 with arginine.
Molecular consequence: missense variant.
Genome position (GRCh38, 1-based): chr1:21,843,366, C>T on the plus strand (G>A on the coding strand, the complement: HSPG2 is on the minus strand). VCF-style: chr1-21843366-C-T. GRCh37 (hg19) VCF-style: chr1-22169859-C-T.
Other names: c.8692G>A, p.Gly2898Arg (NM_001291860.2); short protein forms G2897R, G2898R.
Identifiers: ClinVar variation 1311626 (VCV001311626.6), dbSNP rs192525833, ClinGen allele CA670690.

ClinVar aggregate classification (germline): Uncertain significance. Review status: criteria provided, multiple submitters, no conflicts (2 of 4 stars). 3 submissions from 3 submitters: Uncertain significance (3). Last evaluated 2024-12-03.

Conditions:
Inborn genetic diseases. Identifiers: MedGen C0950123, MeSH D030342.

Allele frequency attached by ClinVar (database versions not stated): ExAC 0.00015; 1000 Genomes Project 0.00060; ESP Exome Variant Server 0.00008; gnomAD 0.00015; 1000 Genomes Project 30x 0.00062; TOPMed 0.00015.

Submissions (3):

Labcorp Genetics (formerly Invitae), Labcorp
Classification: Uncertain significance. Last evaluated: 2024-12-03. Review status: criteria provided, single submitter. Criteria: Invitae Variant Classification Sherloc (09022015). Collection method: clinical testing. Allele origin: germline.
Comment: This sequence change replaces glycine, which is neutral and non-polar, with arginine, which is basic and polar, at codon 2897 of the HSPG2 protein (p.Gly2897Arg). This variant is present in population databases (rs192525833, gnomAD 0.02%). This variant has not been reported in the literature in individuals affected with HSPG2-related conditions. ClinVar contains an entry for this variant (Variation ID: 1311626). An algorithm developed to predict the effect of missense changes on protein structure and function (PolyPhen-2) suggests that this variant is likely to be disruptive. In summary, the available evidence is currently insufficient to determine the role of this variant in disease. Therefore, it has been classified as a Variant of Uncertain Significance.

GeneDx
Classification: Uncertain significance. Last evaluated: 2024-04-01. Review status: criteria provided, single submitter. Criteria: GeneDx Variant Classification Process June 2021. Collection method: clinical testing. Allele origin: germline. Affected: yes.
Comment: In silico analysis supports that this missense variant has a deleterious effect on protein structure/function; Has not been previously published as pathogenic or benign to our knowledge

Ambry Genetics
Classification: Uncertain significance for Inborn genetic diseases. Last evaluated: 2022-07-24. Review status: criteria provided, single submitter. Criteria: Ambry Variant Classification Scheme 2023. Collection method: clinical testing. Allele origin: germline.